The following is an entry in ClinVar:

ClinVar aggregate classification (germline): Pathogenic (1 of 4 stars; one submission).

Conditions:
Cardiovascular phenotype. Identifiers: MedGen CN230736.

Submission:

Ambry Genetics
Classification: Pathogenic for Cardiovascular phenotype. Last evaluated: 2015-06-19. Review status: criteria provided, single submitter. Criteria: Ambry Variant Classification Scheme 2023. Collection method: clinical testing. Allele origin: germline.
Comment: The p.Q161* pathogenic mutation (also known as c.481C>T), located in coding exon 2 of the BAG3 gene, results from a C to T substitution at nucleotide position 481. This changes the amino acid from a glutamine to a stop codon within coding exon 2. This alteration has not been previously reported; however, loss of function alterations have been reported in numerous cases of familial dilated cardiomyopathy, including many families with strong segregation with disease (Norton N et al. Am J Hum Genet. 2011;88(3):273-82; Villard E et al. Eur Heart J. 2011;32(9):1065-76; Chami N et al. Can J Cardiol. 2014;30(12):1655-61; Feldman AM et al. J Cell Physiol. 2014;229(11):1697-702; Franaszczyk M et al. J Transl Med. 2014;12:192; van Spaendonck-Zwarts KY et al. Eur Heart J. 2014;35(32):2165-73). In addition, in Norton et al 2011, BAG3 knockdown in a zebrafish model showed heart failure with decreased fractional shortening and pericardial effusion. Since premature stop codons are typically deleterious in nature, this alteration is interpreted as a disease-causing mutation (ACMG Recommendations for Standards for Interpretation and Reporting of Sequence Variations. Revision 2007. Genet Med. 2008;10:294).

Literature cited by the submitters: PubMed 21353195; PubMed 21459883; PubMed 24558114; PubMed 24623017; PubMed 25008357; PubMed 25448463.

NM_004281.4(BAG3):c.481C>T (p.Gln161Ter)

Gene: BAG3 (BAG cochaperone 3; plus strand). Cytogenetic location: 10q26.11.
Variant type: single nucleotide variant.
Coding change: c.481C>T on transcript NM_004281.4 (MANE Select); coding-DNA position 481, C replaced by T.
Protein change: p.Gln161Ter; replaces glutamine 161 with a stop codon.
Molecular consequence: nonsense.
Genome position (GRCh38, 1-based): chr10:119,670,151, C>T. VCF-style: chr10-119670151-C-T. GRCh37 (hg19) VCF-style: chr10-121429663-C-T.
Other names: short protein forms Q161*.
Identifiers: ClinVar variation 264102 (VCV000264102.5), dbSNP rs886039044, ClinGen allele CA10587694.